The following is an entry in ClinVar:

NM_001244008.2(KIF1A):c.4813C>G (p.Pro1605Ala)

Gene: KIF1A (kinesin family member 1A; minus strand). Cytogenetic location: 2q37.3.
Variant type: single nucleotide variant.
Coding change: c.4813C>G on transcript NM_001244008.2 (MANE Select); coding-DNA position 4813, C replaced by G.
Protein change: p.Pro1605Ala; replaces proline 1605 with alanine.
Molecular consequence: missense variant.
Genome position (GRCh38, 1-based): chr2:240,720,969, G>C on the plus strand (C>G on the coding strand, the complement: KIF1A is on the minus strand). VCF-style: chr2-240720969-G-C. GRCh37 (hg19) VCF-style: chr2-241660386-G-C.
Other names: c.4537C>G, p.Pro1513Ala (NM_001320705.2, NM_001379649.1); c.4564C>G, p.Pro1522Ala (NM_001330289.2); c.4612C>G, p.Pro1538Ala (NM_001330290.2, NM_001379648.1); c.4888C>G, p.Pro1630Ala (NM_001379631.1); c.4789C>G, p.Pro1597Ala (NM_001379632.1); c.4786C>G, p.Pro1596Ala (NM_001379633.1, NM_001379645.1); c.4639C>G, p.Pro1547Ala (NM_001379634.1); c.4636C>G, p.Pro1546Ala (NM_001379635.1, NM_001379646.1); and 7 more; short protein forms P1547A, P1521A, P1542A, P1596A, P1597A, P1630A, P1512A, P1513A.
Identifiers: ClinVar variation 1422803 (VCV001422803.6), dbSNP rs916993059, ClinGen allele CA351301749.

ClinVar aggregate classification (germline): Uncertain significance (1 of 4 stars; one submission).

Conditions:
Hereditary spastic paraplegia 30. Identifiers: Orphanet 101010, MedGen C5235139, MONDO:0012476.
Neuropathy, hereditary sensory, type 2C. Also called: Hereditary sensory and autonomic neuropathy type IIC; KIF1A-Related HSAN2 (HSAN2C). Identifiers: Orphanet 970, MedGen C3280168, MONDO:0013634, OMIM 614213.
Intellectual disability, autosomal dominant 9 (NESCAVS). Also called: NESCAV SYNDROME; KIF1A-Related Neurodevelopmental Disorder. Identifiers: Orphanet 662367, MedGen C5393830, MONDO:0013656, OMIM 614255.

gnomAD v4.1: 2 of 1,605,330 alleles (0.00012%); highest among the groups gnomAD compares: African/African-American, 0.0013%; no homozygotes.

Submission:

Labcorp Genetics (formerly Invitae), Labcorp
Classification: Uncertain significance for Hereditary spastic paraplegia 30; Neuropathy, hereditary sensory, type 2C; Intellectual disability, autosomal dominant 9. Last evaluated: 2025-09-27. Review status: criteria provided, single submitter. Criteria: Invitae Variant Classification Sherloc (09022015). Collection method: clinical testing. Allele origin: germline.
Comment: This sequence change replaces proline, which is neutral and non-polar, with alanine, which is neutral and non-polar, at codon 1504 of the KIF1A protein (p.Pro1504Ala). The frequency data for this variant in the population databases is considered unreliable, as metrics indicate poor data quality at this position in the gnomAD database. This variant has not been reported in the literature in individuals affected with KIF1A-related conditions. ClinVar contains an entry for this variant (Variation ID: 1422803). Invitae Evidence Modeling of protein sequence and biophysical properties (such as structural, functional, and spatial information, amino acid conservation, physicochemical variation, residue mobility, and thermodynamic stability) indicates that this missense variant is not expected to disrupt KIF1A protein function with a negative predictive value of 95%. In summary, the available evidence is currently insufficient to determine the role of this variant in disease. Therefore, it has been classified as a Variant of Uncertain Significance.